The following is an entry in ClinVar:

ClinVar aggregate classification (germline): Uncertain significance (1 of 4 stars; one submission).

Conditions:
Alstrom syndrome (ALMS). Identifiers: Orphanet 64, MedGen C0268425, MONDO:0008763, OMIM 203800.

gnomAD v4.1: 1 of 1,612,822 alleles (0.000062%); highest among the groups gnomAD compares: Admixed American, 0.0017%; no homozygotes.

Submission:

Labcorp Genetics (formerly Invitae), Labcorp
Classification: Uncertain significance for Alstrom syndrome. Last evaluated: 2025-12-09. Review status: criteria provided, single submitter. Criteria: Invitae Variant Classification Sherloc (09022015). Collection method: clinical testing. Allele origin: germline.
Comment: This sequence change replaces threonine, which is neutral and polar, with alanine, which is neutral and non-polar, at codon 1420 of the ALMS1 protein (p.Thr1420Ala). This variant is not present in population databases (gnomAD no frequency). This variant has not been reported in the literature in individuals affected with ALMS1-related conditions. An algorithm developed to predict the effect of missense changes on protein structure and function outputs the following: PolyPhen-2: "Not Available". The alanine amino acid residue is found in multiple mammalian species, which suggests that this missense change does not adversely affect protein function. In summary, the available evidence is currently insufficient to determine the role of this variant in disease. Therefore, it has been classified as a Variant of Uncertain Significance.

NM_001378454.1(ALMS1):c.4255A>G (p.Thr1419Ala)

Gene: ALMS1 (ALMS1 centrosome and basal body associated protein; plus strand). Cytogenetic location: 2p13.1.
Variant type: single nucleotide variant.
Coding change: c.4255A>G on transcript NM_001378454.1 (MANE Select); coding-DNA position 4255, A replaced by G.
Protein change: p.Thr1419Ala; replaces threonine 1419 with alanine.
Molecular consequence: missense variant.
Genome position (GRCh38, 1-based): chr2:73,450,782, A>G. VCF-style: chr2-73450782-A-G. GRCh37 (hg19) VCF-style: chr2-73677909-A-G.
Other names: c.4258A>G, p.Thr1420Ala (NM_015120.4); short protein forms T1419A, T1420A.
Identifiers: ClinVar variation 4806898 (VCV004806898.1).
Genomic context (GRCh38, chr2:73,450,782, plus strand): 5'-AGTCATCTAACTGAAGAGGCTAAGAACGTTTCAGCGGTTCCTGGACCAGGTGACCGGAAG[A>G]CTGGGATACCAACTTTACCCTCTACTTTCTACTCACACACAGAGAAGCCTGGTAGTTTCT-3'
Protein context (NP_001365383.1, residues 1409-1429): SAVPGPGDRK[Thr1419Ala]GIPTLPSTFY